The following is an entry in ClinVar:

ClinVar aggregate classification (germline): Conflicting classifications of pathogenicity. Review status: criteria provided, conflicting classifications (1 of 4 stars). 3 submissions from 3 submitters: Likely pathogenic (1); Uncertain significance (2). Last evaluated 2025-07-09.

Conditions:
Wilson disease (WND). Also called: Wilson's disease. Identifiers: Orphanet 905, MedGen C0019202, MONDO:0010200, OMIM 277900. Disease mechanism: loss of function.

gnomAD v4.1: 8 of 1,614,050 alleles (0.0005%); highest among the groups gnomAD compares: Non-Finnish European, 0.00068%; no homozygotes.

Submissions (3):

Color Diagnostics, LLC DBA Color Health
Classification: Uncertain significance for Wilson disease. Last evaluated: 2025-07-09. Review status: criteria provided, single submitter. Criteria: ACMG Guidelines, 2015. Collection method: clinical testing. Allele origin: germline.
Comment: This missense variant replaces arginine with proline at codon 1322 of the ATP7B protein. Computational prediction suggests that this variant may have deleterious impact on protein structure and function. This variant occurs in the transmembrane domain M5 of the ATP7B protein, a highly conserved region that is considered to be important for ATP7B protein function (PMID: 35245129ClinVar). To our knowledge, functional studies have not been reported for this variant. This variant has been reported in unknown zygosity in 6 individuals affected with Wilson disease (PMID: 9311736, 17949296, 23235335, 31708252, 34470610) and in an individual with chronic Liver Disease (PMID: 36096368). This variant has been identified in 1/249578 chromosomes in the general population by the Genome Aggregation Database (gnomAD). The available evidence is insufficient to determine the role of this variant in disease conclusively. Therefore, this variant is classified as a Variant of Uncertain Significance.

Labcorp Genetics (formerly Invitae), Labcorp
Classification: Uncertain significance for Wilson disease. Last evaluated: 2025-06-20. Review status: criteria provided, single submitter. Criteria: Invitae Variant Classification Sherloc (09022015). Collection method: clinical testing. Allele origin: germline.
Comment: This sequence change replaces arginine, which is basic and polar, with proline, which is neutral and non-polar, at codon 1322 of the ATP7B protein (p.Arg1322Pro). This variant is present in population databases (no rsID available, gnomAD 0.0009%). This missense change has been observed in individual(s) with Wilson disease (PMID: 9311736, 17949296, 18371106, 31708252, 36096368). ClinVar contains an entry for this variant (Variation ID: 2137509). Invitae Evidence Modeling of protein sequence and biophysical properties (such as structural, functional, and spatial information, amino acid conservation, physicochemical variation, residue mobility, and thermodynamic stability) has been performed for this missense variant. However, the output from this modeling did not meet the statistical confidence thresholds required to predict the impact of this variant on ATP7B protein function. In summary, the available evidence is currently insufficient to determine the role of this variant in disease. Therefore, it has been classified as a Variant of Uncertain Significance.

Mayo Clinic Laboratories, Mayo Clinic
Classification: Likely pathogenic. Last evaluated: 2024-12-05. Review status: criteria provided, single submitter. Criteria: ACMG Guidelines, 2015. Collection method: clinical testing. Allele origin: germline. Observed: 2 variant alleles.
Comment: PP3_moderate, PP4, PM2_supporting, PM3_supporting, PS4_moderate

Literature cited by the submitters: PubMed 9311736 (cited by 3 submitters); PubMed 17949296 (cited by 3 submitters); PubMed 23235335 (cited by Color Diagnostics, LLC DBA Color Health); PubMed 31708252 (cited by 3 submitters); PubMed 34470610 (cited by Color Diagnostics, LLC DBA Color Health and Mayo Clinic Laboratories, Mayo Clinic); PubMed 35245129 (cited by Color Diagnostics, LLC DBA Color Health); PubMed 36096368 (cited by 3 submitters); PubMed 18371106 (cited by Labcorp Genetics (formerly Invitae), Labcorp and Mayo Clinic Laboratories, Mayo Clinic); PubMed 39502306 (cited by Mayo Clinic Laboratories, Mayo Clinic).

NM_000053.4(ATP7B):c.3965G>C (p.Arg1322Pro)

Gene: ATP7B (ATPase copper transporting beta; minus strand). Cytogenetic location: 13q14.3.
Variant type: single nucleotide variant.
Coding change: c.3965G>C on transcript NM_000053.4 (MANE Select); coding-DNA position 3965, G replaced by C.
Protein change: p.Arg1322Pro; replaces arginine 1322 with proline.
Molecular consequence: missense variant.
Genome position (GRCh38, 1-based): chr13:51,937,332, C>G on the plus strand (G>C on the coding strand, the complement: ATP7B is on the minus strand). VCF-style: chr13-51937332-C-G. GRCh37 (hg19) VCF-style: chr13-52511468-C-G.
Other names: p.Arg1322Pro; c.3869G>C, p.Arg1290Pro (NM_001406518.1, NM_001406517.1); c.3830G>C, p.Arg1277Pro (NM_001406519.1); c.3821G>C, p.Arg1274Pro (NM_001406520.1, NM_001406521.1, NM_001406522.1); c.3677G>C, p.Arg1226Pro (NM_001406534.1); c.3626G>C, p.Arg1209Pro (NM_001406537.1); c.3587G>C, p.Arg1196Pro (NM_001406538.1); c.3536G>C, p.Arg1179Pro (NM_001406539.1); and 23 more; short protein forms R1128P, R1158P, R1179P, R1238P, R1263P, R1304P, R1173P, R1209P.
Identifiers: ClinVar variation 2137509 (VCV002137509.4), dbSNP rs753330854, ClinGen allele CA250073357.